The following is an entry in ClinVar:

NM_004655.4(AXIN2):c.230G>T (p.Arg77Leu)

Gene: AXIN2 (axin 2; minus strand). Cytogenetic location: 17q24.1.
Variant type: single nucleotide variant.
Coding change: c.230G>T on transcript NM_004655.4 (MANE Select); coding-DNA position 230, G replaced by T.
Protein change: p.Arg77Leu; replaces arginine 77 with leucine.
Molecular consequence: missense variant.
Genome position (GRCh38, 1-based): chr17:65,558,391, C>A on the plus strand (G>T on the coding strand, the complement: AXIN2 is on the minus strand). VCF-style: chr17-65558391-C-A. GRCh37 (hg19) VCF-style: chr17-63554509-C-A.
Other names: c.230G>T, p.Arg77Leu (NM_001363813.1); short protein forms R77L.
Identifiers: ClinVar variation 938223 (VCV000938223.14), dbSNP rs778517452, ClinGen allele CA400681855.

ClinVar aggregate classification (germline): Uncertain significance. Review status: criteria provided, multiple submitters, no conflicts (2 of 4 stars). 4 submissions from 4 submitters: Uncertain significance (4). Last evaluated 2025-10-24.

Conditions:
Oligodontia-cancer predisposition syndrome. Also called: TOOTH AGENESIS-COLORECTAL CANCER SYNDROME. Identifiers: Orphanet 300576, MedGen C1837750, MONDO:0012075, OMIM 608615. Disease mechanism: loss of function.
Hereditary cancer-predisposing syndrome. Also called: Tumor predisposition; Hereditary neoplastic syndrome; Hereditary Cancer Syndrome; Neoplastic Syndromes, Hereditary. Identifiers: Orphanet 140162, MedGen C0027672, MeSH D009386, MONDO:0015356.

Submissions (4):

Ambry Genetics
Classification: Uncertain significance for Hereditary cancer-predisposing syndrome. Last evaluated: 2025-10-24. Review status: criteria provided, single submitter. Criteria: Ambry Variant Classification Scheme 2023. Collection method: clinical testing. Allele origin: germline.
Comment: The p.R77L variant (also known as c.230G>T), located in coding exon 1 of the AXIN2 gene, results from a G to T substitution at nucleotide position 230. The arginine at codon 77 is replaced by leucine, an amino acid with dissimilar properties. This amino acid position is conserved. In addition, the in silico prediction for this alteration is inconclusive. Based on the available evidence, the clinical significance of this variant remains unclear.

Quest Diagnostics Nichols Institute San Juan Capistrano
Classification: Uncertain significance. Last evaluated: 2025-09-09. Review status: criteria provided, single submitter. Criteria: Quest Diagnostics criteria. Collection method: clinical testing. Allele origin: unknown.
Comment: The AXIN2 c.230G>T (p.Arg77Leu) variant has not been reported in individuals with AXIN2-related conditions in the published literature. This variant has not been reported in large, multi-ethnic general populations (Genome Aggregation Database). Analysis of this variant using bioinformatics tools for the prediction of the effect of amino acid changes on protein structure and function yielded predictions that this variant is damaging. Based on the available information, we are unable to determine the clinical significance of this variant.

Labcorp Genetics (formerly Invitae), Labcorp
Classification: Uncertain significance for Oligodontia-cancer predisposition syndrome. Last evaluated: 2024-04-14. Review status: criteria provided, single submitter. Criteria: Invitae Variant Classification Sherloc (09022015). Collection method: clinical testing. Allele origin: germline.
Comment: This sequence change replaces arginine, which is basic and polar, with leucine, which is neutral and non-polar, at codon 77 of the AXIN2 protein (p.Arg77Leu). This variant is not present in population databases (gnomAD no frequency). This variant has not been reported in the literature in individuals affected with AXIN2-related conditions. ClinVar contains an entry for this variant (Variation ID: 938223). Advanced modeling of protein sequence and biophysical properties (such as structural, functional, and spatial information, amino acid conservation, physicochemical variation, residue mobility, and thermodynamic stability) performed at Invitae indicates that this missense variant is expected to disrupt AXIN2 protein function with a positive predictive value of 80%. In summary, the available evidence is currently insufficient to determine the role of this variant in disease. Therefore, it has been classified as a Variant of Uncertain Significance.

GeneDx
Classification: Uncertain significance. Last evaluated: 2023-03-28. Review status: criteria provided, single submitter. Criteria: GeneDx Variant Classification Process June 2021. Collection method: clinical testing. Allele origin: germline. Affected: yes.
Comment: Not observed at significant frequency in large population cohorts (gnomAD); In silico analysis supports that this missense variant has a deleterious effect on protein structure/function; Has not been previously published as pathogenic or benign to our knowledge